The following is an entry in ClinVar:

NM_001164665.2(KIAA1549):c.4807C>T (p.Arg1603Trp)

Gene: KIAA1549 (KIAA1549; minus strand). Cytogenetic location: 7q34.
Variant type: single nucleotide variant.
Coding change: c.4807C>T on transcript NM_001164665.2 (MANE Select); coding-DNA position 4807, C replaced by T.
Protein change: p.Arg1603Trp; replaces arginine 1603 with tryptophan.
Molecular consequence: missense variant.
Genome position (GRCh38, 1-based): chr7:138,868,097, G>A on the plus strand (C>T on the coding strand, the complement: KIAA1549 is on the minus strand). VCF-style: chr7-138868097-G-A. GRCh37 (hg19) VCF-style: chr7-138552843-G-A.
Other names: c.4807C>T, p.Arg1603Trp (NM_020910.3); short protein forms R1603W.
Identifiers: ClinVar variation 1024616 (VCV001024616.6), dbSNP rs376775987, ClinGen allele CA4505744.

ClinVar aggregate classification (germline): Uncertain significance. Review status: criteria provided, multiple submitters, no conflicts (2 of 4 stars). 2 submissions from 2 submitters: Uncertain significance (2). Last evaluated 2024-10-03.

Allele frequency attached by ClinVar (database versions not stated): gnomAD 0.00011; TOPMed 0.00015; ESP Exome Variant Server 0.00016; gnomAD exomes 0.00023 and 0.00030; ExAC 0.00026.
gnomAD v4.1: 454 of 1,613,526 alleles (0.028%); highest among the groups gnomAD compares: South Asian, 0.046%; 1 homozygote.

Submissions (2):

Blueprint Genetics
Classification: Uncertain significance. Last evaluated: 2024-10-03. Review status: criteria provided, single submitter. Criteria: ACMG Guidelines, 2015. Collection method: clinical testing. Allele origin: germline.

Labcorp Genetics (formerly Invitae), Labcorp
Classification: Uncertain significance. Last evaluated: 2024-04-29. Review status: criteria provided, single submitter. Criteria: Invitae Variant Classification Sherloc (09022015). Collection method: clinical testing. Allele origin: germline.
Comment: This sequence change replaces arginine, which is basic and polar, with tryptophan, which is neutral and slightly polar, at codon 1603 of the KIAA1549 protein (p.Arg1603Trp). This variant is present in population databases (rs376775987, gnomAD 0.07%). This variant has not been reported in the literature in individuals affected with KIAA1549-related conditions. ClinVar contains an entry for this variant (Variation ID: 1024616). An algorithm developed to predict the effect of missense changes on protein structure and function (PolyPhen-2) suggests that this variant is likely to be disruptive. In summary, the available evidence is currently insufficient to determine the role of this variant in disease. Therefore, it has been classified as a Variant of Uncertain Significance.